The following is an entry in ClinVar:

NM_024105.4(ALG12):c.713C>T (p.Pro238Leu)

Gene: ALG12 (ALG12 alpha-1,6-mannosyltransferase; minus strand). Cytogenetic location: 22q13.33.
Variant type: single nucleotide variant.
Coding change: c.713C>T on transcript NM_024105.4 (MANE Select); coding-DNA position 713, C replaced by T.
Protein change: p.Pro238Leu; replaces proline 238 with leucine.
Molecular consequence: missense variant.
Genome position (GRCh38, 1-based): chr22:49,909,299, G>A on the plus strand (C>T on the coding strand, the complement: ALG12 is on the minus strand). VCF-style: chr22-49909299-G-A. GRCh37 (hg19) VCF-style: chr22-50302947-G-A.
Other names: short protein forms P238L.
Identifiers: ClinVar variation 1400748 (VCV001400748.6), dbSNP rs1339045983, ClinGen allele CA412074618.

ClinVar aggregate classification (germline): Uncertain significance. Review status: criteria provided, multiple submitters, no conflicts (2 of 4 stars). 2 submissions from 2 submitters: Uncertain significance (2). Last evaluated 2023-12-01.

Conditions:
ALG12-congenital disorder of glycosylation (CDG1G). Also called: ALG12-CDG; Congenital disorder of glycosylation, type Ig; CDG Ig. Identifiers: Orphanet 79324, MedGen C2931001, MONDO:0011783, OMIM 607143.

Allele frequency attached by ClinVar (database versions not stated): gnomAD exomes below 0.00001 and 0.00001; TOPMed below 0.00001; gnomAD 0.00001.

Submissions (2):

3billion
Classification: Uncertain significance for ALG12-congenital disorder of glycosylation. Last evaluated: 2023-12-01. Review status: criteria provided, single submitter. Criteria: ACMG Guidelines, 2015. Collection method: clinical testing. Allele origin: germline. Affected: yes.
Comment: The variant is observed at an extremely low frequency in the gnomAD v2.1.1 dataset (total allele frequency: <0.001%). Predicted Consequence/Location: Missense variant In silico tool predictions suggest damaging effect of the variant on gene or gene product [REVEL: 0.76 (>=0.6, sensitivity 0.68 and specificity 0.92)]. Therefore, this variant is classified as VUS according to the recommendation of ACMG/AMP guideline.

Labcorp Genetics (formerly Invitae), Labcorp
Classification: Uncertain significance for ALG12-congenital disorder of glycosylation. Last evaluated: 2022-11-22. Review status: criteria provided, single submitter. Criteria: Invitae Variant Classification Sherloc (09022015). Collection method: clinical testing. Allele origin: germline.
Comment: This sequence change replaces proline, which is neutral and non-polar, with leucine, which is neutral and non-polar, at codon 238 of the ALG12 protein (p.Pro238Leu). This variant is present in population databases (no rsID available, gnomAD 0.002%). This variant has not been reported in the literature in individuals affected with ALG12-related conditions. ClinVar contains an entry for this variant (Variation ID: 1400748). Advanced modeling of protein sequence and biophysical properties (such as structural, functional, and spatial information, amino acid conservation, physicochemical variation, residue mobility, and thermodynamic stability) performed at Invitae indicates that this missense variant is expected to disrupt ALG12 protein function. In summary, the available evidence is currently insufficient to determine the role of this variant in disease. Therefore, it has been classified as a Variant of Uncertain Significance.